The following is an entry in ClinVar:

ClinVar aggregate classification (germline): Conflicting classifications of pathogenicity. Review status: criteria provided, conflicting classifications (1 of 4 stars). 2 submissions from 2 submitters: Likely pathogenic (1); Uncertain significance (1). Last evaluated 2026-06-11.

Conditions:
INVS-related disorder. Also called: INVS-related condition.
Infantile nephronophthisis (NPHP2). Also called: Nephronophthisis 2, infantile; Nephronophthisis 2. Identifiers: Orphanet 655, Orphanet 93591, MedGen C1865872, MONDO:0011190, OMIM 602088.

Allele frequency attached by ClinVar (database versions not stated): gnomAD exomes below 0.00001.
gnomAD v4.1: 1 of 1,613,816 alleles (0.000062%); highest among the groups gnomAD compares: South Asian, 0.0011%; no homozygotes.

Submissions (2):

PreventionGenetics, part of Exact Sciences
Classification: Uncertain significance for INVS-related condition. Last evaluated: 2026-06-11. Review status: criteria provided, single submitter. Criteria: ACMG Guidelines, 2015. Collection method: clinical testing. Allele origin: germline.
Comment: The INVS c.778C>T variant is predicted to result in the amino acid substitution p.His260Tyr. To our knowledge, this variant has not been reported in the literature or in a large population database (gnomAD), indicating this variant is rare. This variant is classified as likely pathogenic by one lab in the ClinVar database; however, minimal evidence was provided to assess the classification (Variation ID: 2584432). At this time, the clinical significance of this variant is uncertain due to the absence of conclusive functional and genetic evidence.

Rady Children's Institute for Genomic Medicine, Rady Children's Hospital San Diego
Classification: Likely pathogenic for NEPHRONOPHTHISIS 2. Review status: criteria provided, single submitter. Criteria: ACMG Guidelines, 2015. Collection method: clinical testing. Allele origin: germline. Affected: yes.
Comment: This variant has not been previously reported or functionally characterized in the literature to our knowledge. The c.778C>T (p.His260Tyr) variant is absent from the gnomAD population database and thus is presumed to be rare. The c.778C>T (p.His260Tyr) variant affects a highly conserved amino acid and is predicted by multiple in silico tools to have a deleterious effect on protein function. Based on the available evidence, the c.778C>T (p.His260Tyr) variant is classified as Likely Pathogenic.

NM_014425.5(INVS):c.778C>T (p.His260Tyr)

Gene: INVS (inversin; plus strand). Cytogenetic location: 9q31.1.
Variant type: single nucleotide variant.
Coding change: c.778C>T on transcript NM_014425.5 (MANE Select); coding-DNA position 778, C replaced by T.
Protein change: p.His260Tyr; replaces histidine 260 with tyrosine.
Molecular consequence: missense variant. On other transcripts: 5 prime UTR variant (1), non-coding transcript variant (1).
Genome position (GRCh38, 1-based): chr9:100,240,222, C>T. VCF-style: chr9-100240222-C-T. GRCh37 (hg19) VCF-style: chr9-103002504-C-T.
Other names: c.490C>T, p.His164Tyr (NM_001318381.2); c.-212C>T (NM_001318382.2); short protein forms H164Y, H260Y.
Identifiers: ClinVar variation 2584432 (VCV002584432.2), dbSNP rs2491236702, ClinGen allele CA374361809.
Genomic context (GRCh38, chr9:100,240,222, plus strand): 5'-TTGACCTCATATGAAAGCTGCAATATAACGTCTTATGATAACTTATTTCGAACCCCACTG[C>T]ACTGGGCAGCTTTATTAGGTACGTGACTCAAAGGATCAACAGTAAAAGGAACTTCATGAG-3'
Protein context (NP_055240.2, residues 250-270): SYDNLFRTPL[His260Tyr]WAALLGHAQI